The following is an entry in ClinVar:

NM_182961.4(SYNE1):c.9807+5C>T

Gene: SYNE1 (spectrin repeat containing nuclear envelope protein 1; minus strand). Cytogenetic location: 6q25.2.
Variant type: single nucleotide variant.
Coding change: c.9807+5C>T on transcript NM_182961.4 (MANE Select); 5 bases into the intron after coding-DNA position 9807, C replaced by T.
Molecular consequence: intron variant.
Genome position (GRCh38, 1-based): chr6:152,368,967, G>A on the plus strand (C>T on the coding strand, the complement: SYNE1 is on the minus strand). VCF-style: chr6-152368967-G-A. GRCh37 (hg19) VCF-style: chr6-152690102-G-A.
Other names: c.9828+5C>T (NM_033071.5).
Identifiers: ClinVar variation 355896 (VCV000355896.21), dbSNP rs185350092, ClinGen allele CA4057207.

ClinVar aggregate classification (germline): Conflicting classifications of pathogenicity. Review status: criteria provided, conflicting classifications (1 of 4 stars). 7 submissions from 6 submitters: Uncertain significance (2); Benign (2); Likely benign (3). Last evaluated 2026-01-01.

Conditions:
Autosomal recessive ataxia, Beauce type. Also called: SYNE1-Related Autosomal Recessive Cerebellar Ataxia; Spinocerebellar ataxia, autosomal recessive 8; ATAXIA, RECESSIVE, OF BEAUCE; SYNE1 Deficiency. Identifiers: Orphanet 88644, MedGen C1853116, MONDO:0012549, OMIM 610743.
Emery-Dreifuss muscular dystrophy 4, autosomal dominant (EDMD4). Also called: EMERY-DREIFUSS MUSCULAR DYSTROPHY 4 WITH VARIABLE FEATURES. Identifiers: Orphanet 261, MedGen C2751807, MONDO:0013071, OMIM 612998.

Allele frequency attached by ClinVar (database versions not stated): TOPMed 0.00020; gnomAD 0.00023 and 0.00027; ExAC 0.00030; gnomAD exomes 0.00035; 1000 Genomes Project 0.00120; 1000 Genomes Project 30x 0.00125.
gnomAD v4.1: 202 of 1,614,134 alleles (0.013%); highest among the groups gnomAD compares: East Asian, 0.27%; no homozygotes.

Submissions (7):

Labcorp Genetics (formerly Invitae), Labcorp
Classification: Likely benign for Emery-Dreifuss muscular dystrophy 4, autosomal dominant; Autosomal recessive ataxia, Beauce type. Last evaluated: 2026-01-01. Review status: criteria provided, single submitter. Criteria: Invitae Variant Classification Sherloc (09022015). Collection method: clinical testing. Allele origin: germline.

Mayo Clinic Laboratories, Mayo Clinic
Classification: Likely benign. Last evaluated: 2025-08-04. Review status: criteria provided, single submitter. Criteria: ACMG Guidelines, 2015. Collection method: clinical testing. Allele origin: germline. Observed: 1 variant allele.
Comment: BS1, BP4

Blueprint Genetics
Classification: Likely benign. Last evaluated: 2024-08-26. Review status: criteria provided, single submitter. Criteria: ACMG Guidelines, 2015. Collection method: clinical testing. Allele origin: germline.

Athena Diagnostics
Classification: Benign. Last evaluated: 2019-04-05. Review status: criteria provided, single submitter. Criteria: Athena Diagnostics Criteria. Collection method: clinical testing. Allele origin: germline.

Illumina Laboratory Services, Illumina
Classification: Benign for Emery-Dreifuss muscular dystrophy 4, autosomal dominant. Last evaluated: 2018-01-13. Review status: criteria provided, single submitter. Criteria: ICSL Variant Classification Criteria 13 December 2019. Collection method: clinical testing. Allele origin: germline.
Comment: This variant was observed in the ICSL laboratory as part of a predisposition screen in an ostensibly healthy population. It had not been previously curated by ICSL or reported in the Human Gene Mutation Database (HGMD: prior to June 1st, 2018), and was therefore a candidate for classification through an automated scoring system. Utilizing variant allele frequency, disease prevalence and penetrance estimates, and inheritance mode, an automated score was calculated to assess if this variant is too frequent to cause the disease. Based on the score and internal cut-off values, a variant classified as benign is not then subjected to further curation. The score for this variant resulted in a classification of benign for this disease.

Illumina Laboratory Services, Illumina
Classification: Uncertain significance for Autosomal recessive ataxia, Beauce type. Last evaluated: 2018-01-13. Review status: criteria provided, single submitter. Criteria: ICSL Variant Classification Criteria 13 December 2019. Collection method: clinical testing. Allele origin: germline.

Eurofins Ntd Llc (ga)
Classification: Uncertain significance. Last evaluated: 2017-02-15. Review status: criteria provided, single submitter. Criteria: EGL Classification Definitions 2015. Collection method: clinical testing. Allele origin: germline. Observed: 1 variant allele, 1 heterozygote.

Literature cited by the submitters: PubMed 31146700 (cited by Mayo Clinic Laboratories, Mayo Clinic).